The following is an entry in ClinVar:

NC_000016.10:g.(?_578765)_(579200_?)del

Gene: PIGQ (phosphatidylinositol glycan anchor biosynthesis class Q; plus strand). Cytogenetic location: 16p13.3.
Variant type: Deletion.
Identifiers: ClinVar variation 526296 (VCV000526296.2).

ClinVar aggregate classification (germline): Pathogenic (1 of 4 stars; one submission).

Conditions:
Epilepsy. Also called: Seizure disorder. Identifiers: MedGen C0014544, MeSH D004827, MONDO:0005027.

Submission:

Labcorp Genetics (formerly Invitae), Labcorp
Classification: Pathogenic for Epilepsy. Last evaluated: 2020-09-29. Review status: criteria provided, single submitter. Criteria: Invitae Variant Classification Sherloc (09022015). Collection method: clinical testing. Allele origin: germline.
Comment: This variant is an out-of-frame deletion of the genomic region encompassing exon(s) 6-7 of the PIGQ gene. This is expected to create a premature translational stop signal and result in an absent or disrupted protein product. This variant has not been reported in the literature in individuals with PIGQ-related conditions. Loss-of-function variants in PIGQ are known to be pathogenic (PMID: 24463883, 25558065). For these reasons, this variant has been classified as Pathogenic.

Literature cited by the submitters: PubMed 24463883; PubMed 25558065.